The following is an entry in ClinVar:

NM_006593.4(TBR1):c.1191-5C>A

Gene: TBR1 (T-box brain transcription factor 1; plus strand). Cytogenetic location: 2q24.2.
Variant type: single nucleotide variant.
Coding change: c.1191-5C>A on transcript NM_006593.4 (MANE Select); 5 bases into the intron before coding-DNA position 1191, C replaced by A.
Molecular consequence: intron variant.
Genome position (GRCh38, 1-based): chr2:161,423,364, C>A. VCF-style: chr2-161423364-C-A. GRCh37 (hg19) VCF-style: chr2-162279875-C-A.
Identifiers: ClinVar variation 1321256 (VCV001321256.1), dbSNP rs1412546585, ClinGen allele CA537509784.

ClinVar aggregate classification (germline): Uncertain significance (1 of 4 stars; one submission).

Conditions:
Intellectual developmental disorder with autism and speech delay. Also called: Autism, susceptibility to, 5; Autism 5; AUTISM-RELATED SPEECH DELAY; PHRASE SPEECH DELAY, AUTISM-RELATED; AUTS5. Identifiers: MedGen C1853755, MONDO:0011627, OMIM 606053.

Submission:

3billion
Classification: Uncertain significance for Intellectual developmental disorder with autism and speech delay. Last evaluated: 2021-10-25. Review status: criteria provided, single submitter. Criteria: ACMG Guidelines, 2015. Collection method: clinical testing. Allele origin: unknown. Affected: yes. Observed: 1 heterozygote.
Comment: This variant is not observed in the gnomAD v2.1.1 dataset (PM2). In silico tools predict the variant to alter splicing and produce an abnormal transcript (Splice AI: 0.94, PP3). Therefore, this variant is classified as uncertain significance according to the recommendation of ACMG/AMP guideline.